The following is an entry in ClinVar:

NM_000064.4(C3):c.973T>C (p.Tyr325His)

Gene: C3 (complement C3; minus strand). Cytogenetic location: 19p13.3.
Variant type: single nucleotide variant.
Coding change: c.973T>C on transcript NM_000064.4 (MANE Select); coding-DNA position 973, T replaced by C.
Protein change: p.Tyr325His; replaces tyrosine 325 with histidine.
Molecular consequence: missense variant.
Genome position (GRCh38, 1-based): chr19:6,713,219, A>G on the plus strand (T>C on the coding strand, the complement: C3 is on the minus strand). VCF-style: chr19-6713219-A-G. GRCh37 (hg19) VCF-style: chr19-6713230-A-G.
Other names: short protein forms Y325H.
Identifiers: ClinVar variation 4280281 (VCV004280281.1).

ClinVar aggregate classification (germline): Uncertain significance (1 of 4 stars; one submission).

Conditions:
Complement component 3 deficiency. Identifiers: Orphanet 280133, MedGen C3151071, MONDO:0013417, OMIM 613779.
C3 glomerulonephritis. Also called: Nephropathy due to CFHR5 Deficiency; C3 GLOMERULOPATHY 3. Identifiers: Orphanet 329931, MedGen C4055342, MONDO:0013892, OMIM 614809.
Atypical hemolytic-uremic syndrome. Identifiers: Orphanet 2134, MedGen C2931788, MONDO:0016244.

Submission:

Genomenon, Inc
Classification: Uncertain significance for Complement component 3 deficiency; C3 glomerulonephritis; Atypical hemolytic-uremic syndrome. Last evaluated: 2025-09-30. Review status: criteria provided, single submitter. Criteria: Genomenon Sequence Variant Interpretation Standards. Collection method: curation. Allele origin: germline. Affected: no.
Comment: C3 p.Tyr325His (c.973T>C) is a missense variant that changes the amino acid at residue 325 from Tyrosine to Histidine. This variant has been reported in the published literature (PMID:30131807). It is absent or not present at a significant frequency in gnomAD. In silico models agree that this variant is not damaging. In conclusion, we classify C3 p.Tyr325His (c.973T>C) as a variant of unknown significance.

Literature cited by the submitters: PubMed 30131807.